The following is an entry in ClinVar:

NC_000019.9:g.(?_17984927)_(17985032_?)del

Gene: SLC5A5 (solute carrier family 5 member 5; plus strand). Cytogenetic location: 19p13.11.
Variant type: Deletion.
Identifiers: ClinVar variation 3242648 (VCV003242648.1).

ClinVar aggregate classification (germline): Pathogenic (1 of 4 stars; one submission).

Submission:

Labcorp Genetics (formerly Invitae), Labcorp
Classification: Pathogenic. Last evaluated: 2023-06-15. Review status: criteria provided, single submitter. Criteria: Invitae Variant Classification Sherloc (09022015). Collection method: clinical testing. Allele origin: unknown.
Comment: For these reasons, this variant has been classified as Pathogenic. This variant disrupts a region of the SLC5A5 protein in which other variant(s) (p.Arg124His) have been determined to be pathogenic (PMID: 16418213, 23690546, 26204134). This suggests that this is a clinically significant region of the protein, and that variants that disrupt it are likely to be disease-causing. This variant has not been reported in the literature in individuals affected with SLC5A5-related conditions. This variant is a gross deletion of the genomic region encompassing exon(s) 2 of the SLC5A5 gene. This variant would be expected to be in-frame, preserving the integrity of the reading frame.

Literature cited by the submitters: PubMed 16418213; PubMed 23690546; PubMed 26204134.